The following is an entry in ClinVar:

ClinVar aggregate classification (germline): Likely benign. Review status: criteria provided, multiple submitters, no conflicts (2 of 4 stars). 3 submissions from 3 submitters: Likely benign (3). Last evaluated 2022-05-01.

Conditions:
Severe combined immunodeficiency due to DNA-PKcs deficiency. Also called: IMMUNODEFICIENCY 26 WITH NEUROLOGIC ABNORMALITIES; Immunodeficiency 26 with or without neurologic abnormalities. Identifiers: Orphanet 317425, MedGen C4014833, MONDO:0014423, OMIM 615966.

Allele frequency attached by ClinVar (database versions not stated): gnomAD exomes below 0.00001.
gnomAD v4.1: 2 of 1,613,332 alleles (0.00012%); highest among the groups gnomAD compares: Non-Finnish European, 0.00017%; no homozygotes.

Submissions (3):

CeGaT Center for Human Genetics Tuebingen
Classification: Likely benign. Last evaluated: 2022-05-01. Review status: criteria provided, single submitter. Criteria: CeGaT Center For Human Genetics Tuebingen Variant Classification Criteria Version 2. Collection method: clinical testing. Allele origin: germline. Affected: yes. Observed: 1 variant allele.
Comment: PRKDC: BP4, BP7

Labcorp Genetics (formerly Invitae), Labcorp
Classification: Likely benign for Severe combined immunodeficiency due to DNA-PKcs deficiency. Last evaluated: 2022-02-10. Review status: criteria provided, single submitter. Criteria: Invitae Variant Classification Sherloc (09022015). Collection method: clinical testing. Allele origin: germline.

Breakthrough Genomics
Classification: Likely benign. Review status: criteria provided, single submitter. Criteria: ACMG Guidelines, 2015. Collection method: not provided. Allele origin: germline. Inheritance: Autosomal recessive inheritance. Affected: yes.

NM_006904.7(PRKDC):c.7962C>T (p.Ser2654=)

Gene: PRKDC (protein kinase, DNA-activated, catalytic subunit; minus strand). Cytogenetic location: 8q11.21.
Variant type: single nucleotide variant.
Coding change: c.7962C>T on transcript NM_006904.7 (MANE Select); coding-DNA position 7962, C replaced by T.
Protein change: p.Ser2654=; no amino-acid change (serine 2654 retained).
Molecular consequence: synonymous variant.
Genome position (GRCh38, 1-based): chr8:47,834,386, G>A on the plus strand (C>T on the coding strand, the complement: PRKDC is on the minus strand). VCF-style: chr8-47834386-G-A. GRCh37 (hg19) VCF-style: chr8-48746947-G-A.
Other names: c.7962C>T, p.Ser2654= (NM_001081640.2).
Identifiers: ClinVar variation 1617119 (VCV001617119.33), dbSNP rs1563758541, ClinGen allele CA460604158.
Genomic context (GRCh38, chr8:47,834,386, plus strand): 5'-TGAGGGACTGGTGTGGTCGACCAGCGGGTCAGTGCTGCTCCCGGTCAGCCAATCAAATGA[G>A]CTTCTTCCATCTGTGACATGCAATCAGAGAGGTCAGGCACTCAGCATCACCCAGCTCTGT-3'
Protein context (NP_008835.5, residues 2644-2664): FTLTQTADGR[Ser2654=]SFDWLTGSST